The following is an entry in ClinVar:

NM_001369.3(DNAH5):c.10076C>T (p.Ala3359Val)

Gene: DNAH5 (dynein axonemal heavy chain 5; minus strand). Cytogenetic location: 5p15.2.
Variant type: single nucleotide variant.
Coding change: c.10076C>T on transcript NM_001369.3 (MANE Select); coding-DNA position 10076, C replaced by T.
Protein change: p.Ala3359Val; replaces alanine 3359 with valine.
Molecular consequence: missense variant.
Genome position (GRCh38, 1-based): chr5:13,766,001, G>A on the plus strand (C>T on the coding strand, the complement: DNAH5 is on the minus strand). VCF-style: chr5-13766001-G-A. GRCh37 (hg19) VCF-style: chr5-13766110-G-A.
Other names: short protein forms A3359V.
Identifiers: ClinVar variation 1427789 (VCV001427789.5), dbSNP rs1752464443, ClinGen allele CA359199564.

ClinVar aggregate classification (germline): Uncertain significance (1 of 4 stars; one submission).

Conditions:
Primary ciliary dyskinesia. Also called: Ciliary dyskinesia. Identifiers: Orphanet 244, MedGen C0008780, MONDO:0016575, HP:0012265.

Allele frequency attached by ClinVar (database versions not stated): TOPMed below 0.00001.

Submission:

Labcorp Genetics (formerly Invitae), Labcorp
Classification: Uncertain significance for Primary ciliary dyskinesia. Last evaluated: 2021-09-01. Review status: criteria provided, single submitter. Criteria: Invitae Variant Classification Sherloc (09022015). Collection method: clinical testing. Allele origin: germline.
Comment: This sequence change replaces alanine with valine at codon 3359 of the DNAH5 protein (p.Ala3359Val). The alanine residue is moderately conserved and there is a small physicochemical difference between alanine and valine. This variant is not present in population databases (ExAC no frequency). This variant has not been reported in the literature in individuals affected with DNAH5-related conditions. Algorithms developed to predict the effect of missense changes on protein structure and function are either unavailable or do not agree on the potential impact of this missense change (SIFT: "Deleterious"; PolyPhen-2: "Benign"; Align-GVGD: "Class C0"). In summary, the available evidence is currently insufficient to determine the role of this variant in disease. Therefore, it has been classified as a Variant of Uncertain Significance.